The following is an entry in ClinVar:

ClinVar aggregate classification (germline): Uncertain significance (1 of 4 stars; one submission).

gnomAD v4.1: 2 of 1,612,408 alleles (0.00012%); highest among the groups gnomAD compares: Admixed American, 0.0033%; no homozygotes.

Submission:

Labcorp Genetics (formerly Invitae), Labcorp
Classification: Uncertain significance. Last evaluated: 2025-07-23. Review status: criteria provided, single submitter. Criteria: Invitae Variant Classification Sherloc (09022015). Collection method: clinical testing. Allele origin: germline.
Comment: This sequence change falls in intron 6 of the GNPTG gene. It does not directly change the encoded amino acid sequence of the GNPTG protein. It affects a nucleotide within the consensus splice site. This variant is not present in population databases (gnomAD no frequency). This variant has not been reported in the literature in individuals affected with GNPTG-related conditions. Variants that disrupt the consensus splice site are a relatively common cause of aberrant splicing (PMID: 17576681, 9536098). Algorithms developed to predict the effect of sequence changes on RNA splicing suggest that this variant may disrupt the consensus splice site. In summary, the available evidence is currently insufficient to determine the role of this variant in disease. Therefore, it has been classified as a Variant of Uncertain Significance.

Literature cited by the submitters: PubMed 17576681; PubMed 9536098.

NM_032520.5(GNPTG):c.411+5G>T

Gene: GNPTG (N-acetylglucosamine-1-phosphate transferase subunit gamma; plus strand). Cytogenetic location: 16p13.3.
Variant type: single nucleotide variant.
Coding change: c.411+5G>T on transcript NM_032520.5 (MANE Select); 5 bases into the intron after coding-DNA position 411, G replaced by T.
Molecular consequence: intron variant.
Genome position (GRCh38, 1-based): chr16:1,362,136, G>T. VCF-style: chr16-1362136-G-T. GRCh37 (hg19) VCF-style: chr16-1412137-G-T.
Identifiers: ClinVar variation 4759908 (VCV004759908.1).